The following is an entry in ClinVar:

ClinVar aggregate classification (germline): Likely pathogenic (1 of 4 stars; one submission).

Conditions:
Hereditary nonpolyposis colorectal neoplasms. Identifiers: MedGen C0009405, MeSH D003123.

Submission:

Labcorp Genetics (formerly Invitae), Labcorp
Classification: Likely pathogenic for Hereditary nonpolyposis colon cancer. Last evaluated: 2019-09-10. Review status: criteria provided, single submitter. Criteria: Invitae Variant Classification Sherloc (09022015). Collection method: clinical testing. Allele origin: germline.
Comment: This variant results in the deletion of part of exon 4 and exon 5 (c.1972_3439-358delinsA) of the MSH6 gene. It is expected to disrupt RNA splicing and likely results in an absent or disrupted protein product. This variant has not been reported in the literature in individuals with MSH6-related conditions. Loss-of-function variants in MSH6 are known to be pathogenic (PMID: 18269114, 24362816). In summary, the currently available evidence indicates that the variant is pathogenic, but additional data are needed to prove that conclusively. Therefore, this variant has been classified as Likely Pathogenic.

NM_000179.3(MSH6):c.1972_3439-358del

Gene: MSH6 (mutS homolog 6; plus strand). Cytogenetic location: 2p16.3.
Variant type: Deletion.
Coding change: c.1972_3439-358del on transcript NM_000179.3 (MANE Select); coding-DNA position 1972 through 358 bases into the intron before coding-DNA position 3439, 4,598 bases deleted.
Molecular consequence: splice acceptor variant, splice donor variant.
Genome position (GRCh38, 1-based): chr2:47,799,955-47,804,552, 4,598 bases deleted. GRCh37 (hg19): chr2:48,027,094-48,031,691.
Other names: c.1066_2533-358del (NM_001281493.2, NM_001281494.2); c.1582_3049-358del (NM_001281492.2).
Identifiers: ClinVar variation 941464 (VCV000941464.1), ClinGen allele CA1139655753.